The following is an entry in ClinVar:

NM_004360.5(CDH1):c.1639G>A (p.Glu547Lys)

Gene: CDH1 (cadherin 1; plus strand). Cytogenetic location: 16q22.1.
Variant type: single nucleotide variant.
Coding change: c.1639G>A on transcript NM_004360.5 (MANE Select); coding-DNA position 1639, G replaced by A.
Protein change: p.Glu547Lys; replaces glutamic acid 547 with lysine.
Molecular consequence: missense variant. On other transcripts: intron variant (1).
Genome position (GRCh38, 1-based): chr16:68,819,353, G>A. VCF-style: chr16-68819353-G-A. GRCh37 (hg19) VCF-style: chr16-68853256-G-A.
Other names: c.1456G>A, p.Glu486Lys (NM_001317184.2); c.91G>A, p.Glu31Lys (NM_001317185.2); c.-254-2648G>A (NM_001317186.2); short protein forms E486K, E547K, E31K.
Identifiers: ClinVar variation 921357 (VCV000921357.18), dbSNP rs1961076622, ClinGen allele CA396465170.

ClinVar aggregate classification (germline): Conflicting classifications of pathogenicity. Review status: criteria provided, conflicting classifications (1 of 4 stars). 3 submissions from 3 submitters: Uncertain significance (2); Likely benign (1). Last evaluated 2026-07-01.

Conditions:
Hereditary cancer-predisposing syndrome. Also called: Neoplastic Syndromes, Hereditary; Hereditary Cancer Syndrome; Tumor predisposition; Hereditary neoplastic syndrome. Identifiers: Orphanet 140162, MedGen C0027672, MeSH D009386, MONDO:0015356.
Hereditary diffuse gastric adenocarcinoma (HDGC). Also called: DIFFUSE GASTRIC AND LOBULAR BREAST CANCER SYNDROME. Identifiers: Orphanet 26106, MedGen C1708349, MONDO:0007648, OMIM 137215.

Submissions (3):

Ambry Genetics
Classification: Likely benign for Hereditary cancer-predisposing syndrome. Last evaluated: 2026-07-01. Review status: criteria provided, single submitter. Criteria: Ambry Variant Classification Scheme 2023. Collection method: clinical testing. Allele origin: germline.

Color Diagnostics, LLC DBA Color Health
Classification: Uncertain significance for Hereditary cancer-predisposing syndrome. Last evaluated: 2023-12-05. Review status: criteria provided, single submitter. Criteria: ACMG Guidelines, 2015. Collection method: clinical testing. Allele origin: germline.
Comment: This missense variant replaces glutamic acid with lysine at codon 547 of the CDH1 protein. To our knowledge, functional studies have not been reported for this variant. This variant has not been reported in individuals affected with hereditary cancer in the literature. This variant has not been identified in the general population by the Genome Aggregation Database (gnomAD). The available evidence is insufficient to determine the role of this variant in disease conclusively. Therefore, this variant is classified as a Variant of Uncertain Significance.

Labcorp Genetics (formerly Invitae), Labcorp
Classification: Uncertain significance for Hereditary diffuse gastric adenocarcinoma. Last evaluated: 2019-10-03. Review status: criteria provided, single submitter. Criteria: Invitae Variant Classification Sherloc (09022015). Collection method: clinical testing. Allele origin: germline.
Comment: Algorithms developed to predict the effect of missense changes on protein structure and function (SIFT, PolyPhen-2, Align-GVGD) all suggest that this variant is likely to be tolerated, but these predictions have not been confirmed by published functional studies and their clinical significance is uncertain. This variant has not been reported in the literature in individuals with CDH1-related conditions. This variant is not present in population databases (ExAC no frequency). This sequence change replaces glutamic acid with lysine at codon 547 of the CDH1 protein (p.Glu547Lys). The glutamic acid residue is moderately conserved and there is a small physicochemical difference between glutamic acid and lysine. In summary, the available evidence is currently insufficient to determine the role of this variant in disease. Therefore, it has been classified as a Variant of Uncertain Significance.